The following is an entry in ClinVar:

ClinVar aggregate classification (germline): Uncertain significance (1 of 4 stars; one submission).

Conditions:
Bailey-Bloch congenital myopathy (CMYO13). Also called: Native American myopathy; Congenital myopathy 13; STAC3 disorder. Identifiers: Orphanet 168572, MedGen C1850625, MONDO:0009722, OMIM 255995.

Allele frequency attached by ClinVar (database versions not stated): gnomAD exomes below 0.00001 and 0.00001; ExAC 0.00002; gnomAD 0.00002 and 0.00003; TOPMed 0.00002; ESP Exome Variant Server 0.00008; 1000 Genomes Project 0.00020; 1000 Genomes Project 30x 0.00031.
gnomAD v4.1: 5 of 1,614,126 alleles (0.00031%); highest among the groups gnomAD compares: African/African-American, 0.0067%; no homozygotes.

Submission:

Labcorp Genetics (formerly Invitae), Labcorp
Classification: Uncertain significance for Bailey-Bloch congenital myopathy. Last evaluated: 2021-03-02. Review status: criteria provided, single submitter. Criteria: Invitae Variant Classification Sherloc (09022015). Collection method: clinical testing. Allele origin: germline.
Comment: This sequence change falls in intron 8 of the STAC3 gene. It does not directly change the encoded amino acid sequence of the STAC3 protein. It affects a nucleotide within the consensus splice site of the intron. This variant is present in population databases (rs375395653, ExAC 0.02%). This variant has not been reported in the literature in individuals with STAC3-related conditions. Nucleotide substitutions within the consensus splice site are a relatively common cause of aberrant splicing (PMID: 17576681, 9536098). Algorithms developed to predict the effect of sequence changes on RNA splicing suggest that this variant is not likely to affect RNA splicing, but this prediction has not been confirmed by published transcriptional studies. In summary, the available evidence is currently insufficient to determine the role of this variant in disease. Therefore, it has been classified as a Variant of Uncertain Significance.

Literature cited by the submitters: PubMed 17576681; PubMed 9536098.

NM_145064.3(STAC3):c.720+6A>G

Gene: STAC3 (SH3 and cysteine rich domain 3; minus strand). Cytogenetic location: 12q13.3.
Variant type: single nucleotide variant.
Coding change: c.720+6A>G on transcript NM_145064.3 (MANE Select); 6 bases into the intron after coding-DNA position 720, A replaced by G.
Molecular consequence: intron variant.
Genome position (GRCh38, 1-based): chr12:57,244,910, T>C on the plus strand (A>G on the coding strand, the complement: STAC3 is on the minus strand). VCF-style: chr12-57244910-T-C. GRCh37 (hg19) VCF-style: chr12-57638693-T-C.
Other names: c.162+6A>G (NM_001286257.2); c.603+6A>G (NM_001286256.2).
Identifiers: ClinVar variation 1481810 (VCV001481810.6), dbSNP rs375395653, ClinGen allele CA6647030.